The following continues an entry in ClinVar:

NM_000302.4(PLOD1):c.644-17T>G

Gene: PLOD1. ClinVar aggregate classification (germline): Benign. Benign (6).

Submissions 32 to 67 of 104:

Dr. Peter K. Rogan Lab, Western University
No classification provided (evidence only). Condition: Uveal melanoma. Review status: no classification provided. Collection method: in vitro. Allele origin: not applicable. Functional consequence: retained intron. Not counted in ClinVar's aggregate classification.

Dr. Peter K. Rogan Lab, Western University
No classification provided (evidence only). Condition: Uveal melanoma. Review status: no classification provided. Collection method: in vitro. Allele origin: not applicable. Functional consequence: retained intron. Not counted in ClinVar's aggregate classification.

Dr. Peter K. Rogan Lab, Western University
No classification provided (evidence only). Condition: Nonpapillary renal cell carcinoma. Review status: no classification provided. Collection method: in vitro. Allele origin: not applicable. Functional consequence: skipped exon, retained intron. Not counted in ClinVar's aggregate classification.

Dr. Peter K. Rogan Lab, Western University
No classification provided (evidence only). Condition: Nonpapillary renal cell carcinoma. Review status: no classification provided. Collection method: in vitro. Allele origin: not applicable. Functional consequence: retained intron. Not counted in ClinVar's aggregate classification.

Dr. Peter K. Rogan Lab, Western University
No classification provided (evidence only). Condition: Familial pancreatic carcinoma. Review status: no classification provided. Collection method: in vitro. Allele origin: not applicable. Functional consequence: retained intron. Not counted in ClinVar's aggregate classification.

Dr. Peter K. Rogan Lab, Western University
No classification provided (evidence only). Condition: Familial pancreatic carcinoma. Review status: no classification provided. Collection method: in vitro. Allele origin: not applicable. Functional consequence: skipped exon, retained intron. Not counted in ClinVar's aggregate classification.

Dr. Peter K. Rogan Lab, Western University
No classification provided (evidence only). Condition: Hepatocellular carcinoma. Review status: no classification provided. Collection method: in vitro. Allele origin: not applicable. Functional consequence: retained intron. Not counted in ClinVar's aggregate classification.

Dr. Peter K. Rogan Lab, Western University
No classification provided (evidence only). Condition: Hepatocellular carcinoma. Review status: no classification provided. Collection method: in vitro. Allele origin: not applicable. Functional consequence: retained intron. Not counted in ClinVar's aggregate classification.

Dr. Peter K. Rogan Lab, Western University
No classification provided (evidence only). Condition: Hepatocellular carcinoma. Review status: no classification provided. Collection method: in vitro. Allele origin: not applicable. Functional consequence: skipped exon, retained intron. Not counted in ClinVar's aggregate classification.

Dr. Peter K. Rogan Lab, Western University
No classification provided (evidence only). Condition: Hepatocellular carcinoma. Review status: no classification provided. Collection method: in vitro. Allele origin: not applicable. Functional consequence: retained intron. Not counted in ClinVar's aggregate classification.

Dr. Peter K. Rogan Lab, Western University
No classification provided (evidence only). Condition: Lymphoma. Review status: no classification provided. Collection method: in vitro. Allele origin: not applicable. Functional consequence: skipped exon, retained intron. Not counted in ClinVar's aggregate classification.

Dr. Peter K. Rogan Lab, Western University
No classification provided (evidence only). Condition: Lymphoma. Review status: no classification provided. Collection method: in vitro. Allele origin: not applicable. Functional consequence: skipped exon, retained intron. Not counted in ClinVar's aggregate classification.

Dr. Peter K. Rogan Lab, Western University
No classification provided (evidence only). Condition: Ovarian cancer. Review status: no classification provided. Collection method: in vitro. Allele origin: not applicable. Functional consequence: skipped exon, retained intron. Not counted in ClinVar's aggregate classification.

Dr. Peter K. Rogan Lab, Western University
No classification provided (evidence only). Condition: Thymoma. Review status: no classification provided. Collection method: in vitro. Allele origin: not applicable. Functional consequence: retained intron. Not counted in ClinVar's aggregate classification.

Dr. Peter K. Rogan Lab, Western University
No classification provided (evidence only). Condition: Thymoma. Review status: no classification provided. Collection method: in vitro. Allele origin: not applicable. Functional consequence: retained intron. Not counted in ClinVar's aggregate classification.

Dr. Peter K. Rogan Lab, Western University
No classification provided (evidence only). Condition: Cholangiocarcinoma. Review status: no classification provided. Collection method: in vitro. Allele origin: not applicable. Functional consequence: retained intron. Not counted in ClinVar's aggregate classification.

Dr. Peter K. Rogan Lab, Western University
No classification provided (evidence only). Condition: Uterine carcinosarcoma. Review status: no classification provided. Collection method: in vitro. Allele origin: not applicable. Functional consequence: retained intron. Not counted in ClinVar's aggregate classification.

Dr. Peter K. Rogan Lab, Western University
No classification provided (evidence only). Condition: Uveal melanoma. Review status: no classification provided. Collection method: in vitro. Allele origin: not applicable. Functional consequence: retained intron. Not counted in ClinVar's aggregate classification.

Dr. Peter K. Rogan Lab, Western University
No classification provided (evidence only). Condition: Uveal melanoma. Review status: no classification provided. Collection method: in vitro. Allele origin: not applicable. Functional consequence: retained intron. Not counted in ClinVar's aggregate classification.

Dr. Peter K. Rogan Lab, Western University
No classification provided (evidence only). Condition: Chronic lymphocytic leukemia/small lymphocytic lymphoma. Review status: no classification provided. Collection method: in vitro. Allele origin: not applicable. Functional consequence: retained intron. Not counted in ClinVar's aggregate classification.

Dr. Peter K. Rogan Lab, Western University
No classification provided (evidence only). Condition: Chronic lymphocytic leukemia/small lymphocytic lymphoma. Review status: no classification provided. Collection method: in vitro. Allele origin: not applicable. Functional consequence: retained intron. Not counted in ClinVar's aggregate classification.

Dr. Peter K. Rogan Lab, Western University
No classification provided (evidence only). Condition: Nonpapillary renal cell carcinoma. Review status: no classification provided. Collection method: in vitro. Allele origin: not applicable. Functional consequence: retained intron. Not counted in ClinVar's aggregate classification.

Dr. Peter K. Rogan Lab, Western University
No classification provided (evidence only). Condition: Nonpapillary renal cell carcinoma. Review status: no classification provided. Collection method: in vitro. Allele origin: not applicable. Functional consequence: retained intron. Not counted in ClinVar's aggregate classification.

Dr. Peter K. Rogan Lab, Western University
No classification provided (evidence only). Condition: Familial pancreatic carcinoma. Review status: no classification provided. Collection method: in vitro. Allele origin: not applicable. Functional consequence: retained intron. Not counted in ClinVar's aggregate classification.

Dr. Peter K. Rogan Lab, Western University
No classification provided (evidence only). Condition: Familial pancreatic carcinoma. Review status: no classification provided. Collection method: in vitro. Allele origin: not applicable. Functional consequence: retained intron. Not counted in ClinVar's aggregate classification.

Dr. Peter K. Rogan Lab, Western University
No classification provided (evidence only). Condition: Hepatocellular carcinoma. Review status: no classification provided. Collection method: in vitro. Allele origin: not applicable. Functional consequence: retained intron. Not counted in ClinVar's aggregate classification.

Dr. Peter K. Rogan Lab, Western University
No classification provided (evidence only). Condition: Hepatocellular carcinoma. Review status: no classification provided. Collection method: in vitro. Allele origin: not applicable. Functional consequence: skipped exon, retained intron. Not counted in ClinVar's aggregate classification.

Dr. Peter K. Rogan Lab, Western University
No classification provided (evidence only). Condition: Hepatocellular carcinoma. Review status: no classification provided. Collection method: in vitro. Allele origin: not applicable. Functional consequence: retained intron. Not counted in ClinVar's aggregate classification.

Dr. Peter K. Rogan Lab, Western University
No classification provided (evidence only). Condition: Hepatocellular carcinoma. Review status: no classification provided. Collection method: in vitro. Allele origin: not applicable. Functional consequence: skipped exon. Not counted in ClinVar's aggregate classification.

Dr. Peter K. Rogan Lab, Western University
No classification provided (evidence only). Condition: Lymphoma. Review status: no classification provided. Collection method: in vitro. Allele origin: not applicable. Functional consequence: retained intron. Not counted in ClinVar's aggregate classification.

Dr. Peter K. Rogan Lab, Western University
No classification provided (evidence only). Condition: Lymphoma. Review status: no classification provided. Collection method: in vitro. Allele origin: not applicable. Functional consequence: skipped exon, retained intron. Not counted in ClinVar's aggregate classification.

Dr. Peter K. Rogan Lab, Western University
No classification provided (evidence only). Condition: Lymphoma. Review status: no classification provided. Collection method: in vitro. Allele origin: not applicable. Functional consequence: skipped exon, retained intron. Not counted in ClinVar's aggregate classification.

Dr. Peter K. Rogan Lab, Western University
No classification provided (evidence only). Condition: Lymphoma. Review status: no classification provided. Collection method: in vitro. Allele origin: not applicable. Functional consequence: retained intron. Not counted in ClinVar's aggregate classification.

Dr. Peter K. Rogan Lab, Western University
No classification provided (evidence only). Condition: Thymoma. Review status: no classification provided. Collection method: in vitro. Allele origin: not applicable. Functional consequence: retained intron. Not counted in ClinVar's aggregate classification.

Dr. Peter K. Rogan Lab, Western University
No classification provided (evidence only). Condition: Thymoma. Review status: no classification provided. Collection method: in vitro. Allele origin: not applicable. Functional consequence: retained intron. Not counted in ClinVar's aggregate classification.

Dr. Peter K. Rogan Lab, Western University
No classification provided (evidence only). Condition: Uterine carcinosarcoma. Review status: no classification provided. Collection method: in vitro. Allele origin: not applicable. Functional consequence: skipped exon, retained intron. Not counted in ClinVar's aggregate classification.